The following is an entry in ClinVar:

ClinVar aggregate classification (germline): Uncertain significance (1 of 4 stars; one submission).

Allele frequency attached by ClinVar (database versions not stated): TOPMed below 0.00001; ExAC 0.00002; gnomAD exomes 0.00002.
gnomAD v4.1: 28 of 1,613,958 alleles (0.0017%); highest among the groups gnomAD compares: South Asian, 0.011%; no homozygotes.

Submission:

Labcorp Genetics (formerly Invitae), Labcorp
Classification: Uncertain significance. Last evaluated: 2022-07-27. Review status: criteria provided, single submitter. Criteria: Invitae Variant Classification Sherloc (09022015). Collection method: clinical testing. Allele origin: germline.
Comment: This sequence change replaces alanine, which is neutral and non-polar, with threonine, which is neutral and polar, at codon 30 of the PDE6A protein (p.Ala30Thr). This variant is present in population databases (rs748769915, gnomAD 0.02%). This variant has not been reported in the literature in individuals affected with PDE6A-related conditions. Algorithms developed to predict the effect of missense changes on protein structure and function (SIFT, PolyPhen-2, Align-GVGD) all suggest that this variant is likely to be tolerated. In summary, the available evidence is currently insufficient to determine the role of this variant in disease. Therefore, it has been classified as a Variant of Uncertain Significance.

NM_000440.3(PDE6A):c.88G>A (p.Ala30Thr)

Gene: PDE6A (phosphodiesterase 6A; minus strand). Cytogenetic location: 5q32.
Variant type: single nucleotide variant.
Coding change: c.88G>A on transcript NM_000440.3 (MANE Select); coding-DNA position 88, G replaced by A.
Protein change: p.Ala30Thr; replaces alanine 30 with threonine.
Molecular consequence: missense variant.
Genome position (GRCh38, 1-based): chr5:149,944,586, C>T on the plus strand (G>A on the coding strand, the complement: PDE6A is on the minus strand). VCF-style: chr5-149944586-C-T. GRCh37 (hg19) VCF-style: chr5-149324149-C-T.
Other names: c.88G>A, p.Ala30Thr (NM_001410788.1); short protein forms A30T.
Identifiers: ClinVar variation 1971060 (VCV001971060.2), dbSNP rs748769915, ClinGen allele CA3505147.